The following is an entry in ClinVar:

ClinVar aggregate classification (germline): Uncertain significance (1 of 4 stars; one submission).

Conditions:
Nemaline myopathy 2 (NEM2). Also called: Nemaline myopathy 2, autosomal recessive. Identifiers: MedGen C1850569, MONDO:0009725, OMIM 256030.

Submission:

Labcorp Genetics (formerly Invitae), Labcorp
Classification: Uncertain significance for Nemaline myopathy 2. Last evaluated: 2022-08-05. Review status: criteria provided, single submitter. Criteria: Invitae Variant Classification Sherloc (09022015). Collection method: clinical testing. Allele origin: germline.
Comment: This variant is not present in population databases (gnomAD no frequency). This sequence change replaces leucine, which is neutral and non-polar, with valine, which is neutral and non-polar, at codon 511 of the NEB protein (p.Leu511Val). This variant has not been reported in the literature in individuals affected with NEB-related conditions. In summary, the available evidence is currently insufficient to determine the role of this variant in disease. Therefore, it has been classified as a Variant of Uncertain Significance. Algorithms developed to predict the effect of missense changes on protein structure and function are either unavailable or do not agree on the potential impact of this missense change (SIFT: "Deleterious"; PolyPhen-2: "Not Available"; Align-GVGD: "Class C0").

NM_001164508.2(NEB):c.1531C>G (p.Leu511Val)

Gene: NEB (nebulin; minus strand). Cytogenetic location: 2q23.3.
Variant type: single nucleotide variant.
Coding change: c.1531C>G on transcript NM_001164508.2 (MANE Select); coding-DNA position 1531, C replaced by G.
Protein change: p.Leu511Val; replaces leucine 511 with valine.
Molecular consequence: missense variant.
Genome position (GRCh38, 1-based): chr2:151,696,675, G>C on the plus strand (C>G on the coding strand, the complement: NEB is on the minus strand). VCF-style: chr2-151696675-G-C. GRCh37 (hg19) VCF-style: chr2-152553189-G-C.
Other names: c.1531C>G, p.Leu511Val (NM_001164507.2, NM_001271208.2, NM_004543.5); short protein forms L511V.
Identifiers: ClinVar variation 1911194 (VCV001911194.5), dbSNP rs1420280056, ClinGen allele CA348825139.